The following is an entry in ClinVar:

ClinVar aggregate classification (germline): Benign. Review status: criteria provided, multiple submitters, no conflicts (2 of 4 stars). 4 submissions from 4 submitters: Benign (3). 1 of the submissions does not count toward it. Last evaluated 2026-06-01.

Conditions:
IL12RB1-related disorder. Also called: IL12RB1-related condition.
Mendelian susceptibility to mycobacterial diseases due to complete IL12RB1 deficiency. Also called: IL12RB1 DEFICIENCY; Immunodeficiency 30. Identifiers: Orphanet 319552, MedGen C4013949, MONDO:0013955, OMIM 614891.

Allele frequency attached by ClinVar (database versions not stated): TOPMed 0.00241; ESP Exome Variant Server 0.00262; 1000 Genomes Project 30x 0.00265; 1000 Genomes Project 0.00300; gnomAD 0.00313 and 0.00343; gnomAD exomes 0.00429 and 0.00473; ExAC 0.00537.
gnomAD v4.1: 6,750 of 1,613,508 alleles (0.42%); highest among the groups gnomAD compares: South Asian, 1.3%; 32 homozygotes.

Submissions (9):

CeGaT Center for Human Genetics Tuebingen
Classification: Benign. Last evaluated: 2026-06-01. Review status: criteria provided, single submitter. Criteria: CeGaT Center For Human Genetics Tuebingen Variant Classification Criteria Version 2. Collection method: clinical testing. Allele origin: germline. Affected: yes. Observed: 4 variant alleles.
Comment: IL12RB1: BP4, BP7, BS1, BS2

Labcorp Genetics (formerly Invitae), Labcorp
Classification: Benign for Mendelian susceptibility to mycobacterial diseases due to complete IL12RB1 deficiency. Last evaluated: 2026-02-02. Review status: criteria provided, single submitter. Criteria: Invitae Variant Classification Sherloc (09022015). Collection method: clinical testing. Allele origin: germline.

Illumina Laboratory Services, Illumina
Classification: Benign for Mendelian susceptibility to mycobacterial diseases due to complete IL12RB1 deficiency. Last evaluated: 2018-01-13. Review status: criteria provided, single submitter. Criteria: ICSL Variant Classification Criteria 13 December 2019. Collection method: clinical testing. Allele origin: germline.
Comment: This variant was observed in the ICSL laboratory as part of a predisposition screen in an ostensibly healthy population. It had not been previously curated by ICSL or reported in the Human Gene Mutation Database (HGMD: prior to June 1st, 2018), and was therefore a candidate for classification through an automated scoring system. Utilizing variant allele frequency, disease prevalence and penetrance estimates, and inheritance mode, an automated score was calculated to assess if this variant is too frequent to cause the disease. Based on the score and internal cut-off values, a variant classified as benign is not then subjected to further curation. The score for this variant resulted in a classification of benign for this disease.

PreventionGenetics, part of Exact Sciences
Classification: Benign for IL12RB1-related condition. Last evaluated: 2019-07-15. Review status: no assertion criteria provided. Collection method: clinical testing. Allele origin: germline. Not counted in ClinVar's aggregate classification.
Comment: This variant is classified as benign based on ACMG/AMP sequence variant interpretation guidelines (Richards et al. 2015 PMID: 25741868, with internal and published modifications).

Dr. Peter K. Rogan Lab, Western University
No classification provided (evidence only). Condition: Lung cancer. Review status: no classification provided. Collection method: in vitro. Allele origin: not applicable. Functional consequence: retained intron. Not counted in ClinVar's aggregate classification.

Dr. Peter K. Rogan Lab, Western University
No classification provided (evidence only). Condition: Familial cancer of breast. Review status: no classification provided. Collection method: in vitro. Allele origin: not applicable. Functional consequence: skipped exon. Not counted in ClinVar's aggregate classification.

Dr. Peter K. Rogan Lab, Western University
No classification provided (evidence only). Condition: Acute myeloid leukemia. Review status: no classification provided. Collection method: in vitro. Allele origin: not applicable. Functional consequence: retained intron. Not counted in ClinVar's aggregate classification.

Dr. Peter K. Rogan Lab, Western University
No classification provided (evidence only). Condition: Ovarian serous cystadenocarcinoma. Review status: no classification provided. Collection method: in vitro. Allele origin: not applicable. Functional consequence: retained intron. Not counted in ClinVar's aggregate classification.

Dr. Peter K. Rogan Lab, Western University
No classification provided (evidence only). Condition: Uveal melanoma. Review status: no classification provided. Collection method: in vitro. Allele origin: not applicable. Functional consequence: retained intron. Not counted in ClinVar's aggregate classification.

NM_005535.3(IL12RB1):c.1584G>A (p.Arg528=)

Gene: IL12RB1 (interleukin 12 receptor subunit beta 1; minus strand). Cytogenetic location: 19p13.11.
Variant type: single nucleotide variant.
Coding change: c.1584G>A on transcript NM_005535.3 (MANE Select); coding-DNA position 1584, G replaced by A.
Protein change: p.Arg528=; no amino-acid change (arginine 528 retained).
Molecular consequence: synonymous variant.
Genome position (GRCh38, 1-based): chr19:18,063,910, C>T on the plus strand (G>A on the coding strand, the complement: IL12RB1 is on the minus strand). VCF-style: chr19-18063910-C-T. GRCh37 (hg19) VCF-style: chr19-18174720-C-T.
Other names: c.1584G>A, p.Arg528= (NM_001290023.2); c.1704G>A, p.Arg568= (NM_001290024.2).
Identifiers: ClinVar variation 328579 (VCV000328579.40), dbSNP rs141968777, ClinGen allele CA9304789.